The following is an entry in ClinVar:

ClinVar aggregate classification (germline): Conflicting classifications of pathogenicity. Review status: criteria provided, conflicting classifications (1 of 4 stars). 6 submissions from 6 submitters: Uncertain significance (5); Likely benign (1). Last evaluated 2026-01-19.

Conditions:
Hereditary cancer-predisposing syndrome. Also called: Neoplastic Syndromes, Hereditary; Tumor predisposition; Hereditary Cancer Syndrome; Hereditary neoplastic syndrome. Identifiers: Orphanet 140162, MedGen C0027672, MeSH D009386, MONDO:0015356.
Cardiovascular phenotype. Identifiers: MedGen CN230736.
Noonan syndrome 2 (NS2). Identifiers: Orphanet 648, MedGen C1854469, MONDO:0011531, OMIM 605275.
LZTR1-related schwannomatosis. Also called: Schwannomatosis-2, susceptibility to; Schwannomatosis 2. Identifiers: Orphanet 93921, MedGen C3810283, MONDO:0014299, OMIM 615670.
Noonan syndrome 10 (NS10). Identifiers: Orphanet 648, MedGen C4225280, MONDO:0014693, OMIM 616564.

Allele frequency attached by ClinVar (database versions not stated): gnomAD 0.00006 and 0.00005; ESP Exome Variant Server 0.00008; TOPMed 0.00009.
gnomAD v4.1: 28 of 1,613,838 alleles (0.0017%); highest among the groups gnomAD compares: African/African-American, 0.028%; no homozygotes.

Submissions (6):

Labcorp Genetics (formerly Invitae), Labcorp
Classification: Uncertain significance. Last evaluated: 2026-01-19. Review status: criteria provided, single submitter. Criteria: Invitae Variant Classification Sherloc (09022015). Collection method: clinical testing. Allele origin: germline.
Comment: This sequence change replaces tyrosine, which is neutral and polar, with serine, which is neutral and polar, at codon 352 of the LZTR1 protein (p.Tyr352Ser). This variant is present in population databases (rs368649599, gnomAD 0.03%). This missense change has been observed in individual(s) with clinical features of LZTR1-related condition (PMID: 34853893). ClinVar contains an entry for this variant (Variation ID: 1028561). Invitae Evidence Modeling of protein sequence and biophysical properties (such as structural, functional, and spatial information, amino acid conservation, physicochemical variation, residue mobility, and thermodynamic stability) indicates that this missense variant is not expected to disrupt LZTR1 protein function with a negative predictive value of 80%. In summary, the available evidence is currently insufficient to determine the role of this variant in disease. Therefore, it has been classified as a Variant of Uncertain Significance.

GeneDx
Classification: Uncertain significance. Last evaluated: 2025-05-15. Review status: criteria provided, single submitter. Criteria: GeneDx Variant Classification Process June 2021. Collection method: clinical testing. Allele origin: germline.
Comment: Identified as homozygous in a fetus with multi-system structural defects (PMID: 34853893); In silico analysis suggests that this missense variant does not alter protein structure/function; This variant is associated with the following publications: (PMID: 34853893)

Fulgent Genetics
Classification: Uncertain significance for Noonan syndrome 2; LZTR1-related schwannomatosis; Noonan syndrome 10. Last evaluated: 2024-01-02. Review status: criteria provided, single submitter. Criteria: ACMG Guidelines, 2015. Collection method: clinical testing. Allele origin: germline.

Women's Health and Genetics/Laboratory Corporation of America, LabCorp
Classification: Uncertain significance. Last evaluated: 2023-03-30. Review status: criteria provided, single submitter. Criteria: LabCorp Variant Classification Summary - May 2015. Collection method: clinical testing. Allele origin: germline.
Comment: Variant summary: LZTR1 c.1055A>C (p.Tyr352Ser) results in a non-conservative amino acid change in the encoded protein sequence. Three of four in-silico tools predict a benign effect of the variant on protein function. The variant allele was found at a frequency of 1.6e-05 in 251204 control chromosomes (gnomAD). c.1055A>C has been reported in the literature in a fetus with structural defects including unilateral renal agenesis, oligohydramnios, pulmonary hypoplasia, and abnormal heart morphology (Al-Hamed_2022). These data do not allow any conclusion about variant significance. To our knowledge, no experimental evidence demonstrating an impact on protein function has been reported. Three clinical diagnostic laboratories have submitted clinical-significance assessments for this variant to ClinVar after 2014 and classified the variant as VUS (n=2) and likely benign (n=1). Based on the evidence outlined above, the variant was classified as uncertain significance.

Ambry Genetics
Classification: Likely benign for Cardiovascular phenotype; Hereditary cancer-predisposing syndrome. Last evaluated: 2023-02-17. Review status: criteria provided, single submitter. Criteria: Ambry Variant Classification Scheme 2023. Collection method: clinical testing. Allele origin: germline.

Baylor Genetics
Classification: Uncertain significance for Noonan syndrome 2. Last evaluated: 2020-06-02. Review status: criteria provided, single submitter. Criteria: ACMG Guidelines, 2015. Collection method: clinical testing. Allele origin: unknown. Affected: yes.
Comment: This variant was determined to be of uncertain significance according to ACMG Guidelines, 2015 [PMID:25741868].

Literature cited by the submitters: PubMed 34853893 (cited by Labcorp Genetics (formerly Invitae), Labcorp and Women's Health and Genetics/Laboratory Corporation of America, LabCorp).

NM_006767.4(LZTR1):c.1055A>C (p.Tyr352Ser)

Gene: LZTR1 (leucine zipper like post translational regulator 1; plus strand). Cytogenetic location: 22q11.21.
Variant type: single nucleotide variant.
Coding change: c.1055A>C on transcript NM_006767.4 (MANE Select); coding-DNA position 1055, A replaced by C.
Protein change: p.Tyr352Ser; replaces tyrosine 352 with serine.
Molecular consequence: missense variant.
Genome position (GRCh38, 1-based): chr22:20,992,275, A>C. VCF-style: chr22-20992275-A-C. GRCh37 (hg19) VCF-style: chr22-21346564-A-C.
Other names: short protein forms Y352S.
Identifiers: ClinVar variation 1028561 (VCV001028561.11), dbSNP rs368649599, ClinGen allele CA10118709.